The following is an entry in ClinVar:

ClinVar aggregate classification (germline): Uncertain significance (1 of 4 stars; one submission).

Conditions:
Ectodermal dysplasia-syndactyly syndrome 1 (EDSS1). Identifiers: Orphanet 247820, MedGen C3150807, MONDO:0024565, OMIM 613573.

Submission:

Kasturba Medical College, Manipal, Kasturba Medical College, Manipal, Manipal Academy of Higher Education, Manipal, India
Classification: Uncertain significance for Ectodermal dysplasia-syndactyly syndrome 1. Review status: criteria provided, single submitter. Criteria: ACMG Guidelines, 2015. Collection method: research. Allele origin: biparental. Inheritance: Autosomal recessive inheritance. Affected: yes. Observed: 1 homozygote.
Comment: This variant is not present in heterozygous and homozygous state in population database gnomAD and our in-house database of 2819 exomes. In silico prediction tools (CADD_Phred, REVEL, MutationTaster, ClinPred) are consistent in predicting the variant to be damaging to the protein function.

NM_030916.3(NECTIN4):c.374A>C (p.Tyr125Ser)

Gene: NECTIN4 (nectin cell adhesion molecule 4; minus strand). Cytogenetic location: 1q23.3.
Variant type: single nucleotide variant.
Coding change: c.374A>C on transcript NM_030916.3 (MANE Select); coding-DNA position 374, A replaced by C.
Protein change: p.Tyr125Ser; replaces tyrosine 125 with serine.
Molecular consequence: missense variant.
Genome position (GRCh38, 1-based): chr1:161,079,655, T>G on the plus strand (A>C on the coding strand, the complement: NECTIN4 is on the minus strand). VCF-style: chr1-161079655-T-G. GRCh37 (hg19) VCF-style: chr1-161049445-T-G.
Other names: short protein forms Y125S.
Identifiers: ClinVar variation 3774316 (VCV003774316.2).